The following is an entry in ClinVar:

ClinVar aggregate classification (germline): Uncertain significance (1 of 4 stars; one submission).

Submission:

GeneDx
Classification: Uncertain significance. Last evaluated: 2023-02-06. Review status: criteria provided, single submitter. Criteria: GeneDx Variant Classification Process June 2021. Collection method: clinical testing. Allele origin: germline. Affected: yes.
Comment: In silico analysis supports that this missense variant has a deleterious effect on protein structure/function; Has not been previously published as pathogenic or benign to our knowledge; Variants in candidate genes are classified as variants of uncertain significance in accordance with ACMG guidelines (Richards et al., 2015)

NM_001286445.3(RIPOR2):c.604C>T (p.Arg202Trp)

Gene: RIPOR2 (RHO family interacting cell polarization regulator 2; minus strand). Cytogenetic location: 6p22.3.
Variant type: single nucleotide variant.
Coding change: c.604C>T on transcript NM_001286445.3 (MANE Select); coding-DNA position 604, C replaced by T.
Protein change: p.Arg202Trp; replaces arginine 202 with tryptophan.
Molecular consequence: missense variant.
Genome position (GRCh38, 1-based): chr6:24,865,348, G>A on the plus strand (C>T on the coding strand, the complement: RIPOR2 is on the minus strand). VCF-style: chr6-24865348-G-A. GRCh37 (hg19) VCF-style: chr6-24865576-G-A.
Other names: c.619C>T, p.Arg207Trp (NM_001286446.3); c.517C>T, p.Arg173Trp (NM_001286447.2, NM_001346031.2, NM_001346032.2 and 2 more transcripts); short protein forms R173W, R202W, R207W.
Identifiers: ClinVar variation 3341005 (VCV003341005.1).